The following is an entry in ClinVar:

ClinVar aggregate classification (germline): Conflicting classifications of pathogenicity. Review status: criteria provided, conflicting classifications (1 of 4 stars). 3 submissions from 3 submitters: Uncertain significance (2); Likely benign (1). Last evaluated 2026-04-16.

Conditions:
Renal cell carcinoma. Identifiers: Orphanet 217071, MedGen C0007134, MeSH D002292, MONDO:0005086, HP:0005584.
Hereditary cancer-predisposing syndrome. Also called: Neoplastic Syndromes, Hereditary; Tumor predisposition; Hereditary Cancer Syndrome; Hereditary neoplastic syndrome. Identifiers: Orphanet 140162, MedGen C0027672, MeSH D009386, MONDO:0015356.

Allele frequency attached by ClinVar (database versions not stated): gnomAD exomes below 0.00001.
gnomAD v4.1: 2 of 1,594,930 alleles (0.00013%); highest among the groups gnomAD compares: Non-Finnish European, 0.00017%; no homozygotes.

Submissions (3):

Ambry Genetics
Classification: Likely benign for Hereditary cancer-predisposing syndrome. Last evaluated: 2026-04-16. Review status: criteria provided, single submitter. Criteria: Ambry Variant Classification Scheme 2023. Collection method: clinical testing. Allele origin: germline.

Center for Genomic Medicine, Rigshospitalet, Copenhagen University Hospital
Classification: Uncertain significance. Last evaluated: 2025-03-04. Review status: criteria provided, single submitter. Criteria: ACMG Guidelines, 2015. Collection method: clinical testing. Allele origin: germline.

Labcorp Genetics (formerly Invitae), Labcorp
Classification: Uncertain significance for Renal cell carcinoma. Last evaluated: 2024-11-24. Review status: criteria provided, single submitter. Criteria: Invitae Variant Classification Sherloc (09022015). Collection method: clinical testing. Allele origin: germline.
Comment: This sequence change replaces lysine, which is basic and polar, with arginine, which is basic and polar, at codon 376 of the MET protein (p.Lys376Arg). This variant is not present in population databases (gnomAD no frequency). This variant has not been reported in the literature in individuals affected with MET-related conditions. ClinVar contains an entry for this variant (Variation ID: 1910327). Invitae Evidence Modeling of protein sequence and biophysical properties (such as structural, functional, and spatial information, amino acid conservation, physicochemical variation, residue mobility, and thermodynamic stability) indicates that this missense variant is not expected to disrupt MET protein function with a negative predictive value of 80%. In summary, the available evidence is currently insufficient to determine the role of this variant in disease. Therefore, it has been classified as a Variant of Uncertain Significance.

NM_000245.4(MET):c.1127A>G (p.Lys376Arg)

Gene: MET (MET proto-oncogene, receptor tyrosine kinase; plus strand). Cytogenetic location: 7q31.2.
Variant type: single nucleotide variant.
Coding change: c.1127A>G on transcript NM_000245.4 (MANE Select); coding-DNA position 1127, A replaced by G.
Protein change: p.Lys376Arg; replaces lysine 376 with arginine.
Molecular consequence: missense variant. On other transcripts: intron variant (1).
Genome position (GRCh38, 1-based): chr7:116,700,211, A>G. VCF-style: chr7-116700211-A-G. GRCh37 (hg19) VCF-style: chr7-116340265-A-G.
Other names: c.1127A>G, p.Lys376Arg (NM_001127500.3, NM_001324401.3); c.-91+27634A>G (NM_001324402.2); short protein forms K376R.
Identifiers: ClinVar variation 1910327 (VCV001910327.9), dbSNP rs2116606061, ClinGen allele CA368970597.
Genomic context (GRCh38, chr7:116,700,211, plus strand): 5'-CAATGGATCGATCTGCCATGTGTGCATTCCCTATCAAATATGTCAACGACTTCTTCAACA[A>G]GATCGTCAACAAAAACAATGTGAGATGTCTCCAGCATTTTTACGGACCCAATCATGAGCA-3'
Protein context (NP_000236.2, residues 366-386): PIKYVNDFFN[Lys376Arg]IVNKNNVRCL